The following is an entry in ClinVar:

ClinVar aggregate classification (germline): Uncertain significance (1 of 4 stars; one submission).

Conditions:
Congenital myotonia, autosomal recessive form. Also called: Becker Generalized Myotonia; BECKER DISEASE; myotonia congenita, autosomal recessive. Identifiers: Orphanet 614, MedGen C0751360, MONDO:0009715, OMIM 255700.
Congenital myotonia, autosomal dominant form (THD). Also called: THOMSEN DISEASE; Myotonia congenita autosomal dominant. Identifiers: Orphanet 614, MedGen C2936781, MONDO:0008055, OMIM 160800.

gnomAD v4.1: 3 of 1,542,874 alleles (0.00019%); highest among the groups gnomAD compares: Admixed American, 0.002%; no homozygotes.

Submission:

Labcorp Genetics (formerly Invitae), Labcorp
Classification: Uncertain significance for Congenital myotonia, autosomal recessive form; Congenital myotonia, autosomal dominant form. Last evaluated: 2022-05-05. Review status: criteria provided, single submitter. Criteria: Invitae Variant Classification Sherloc (09022015). Collection method: clinical testing. Allele origin: germline.
Comment: This sequence change replaces arginine, which is basic and polar, with leucine, which is neutral and non-polar, at codon 654 of the CLCN1 protein (p.Arg654Leu). This variant is not present in population databases (gnomAD no frequency). This variant has not been reported in the literature in individuals affected with CLCN1-related conditions. Advanced modeling of protein sequence and biophysical properties (such as structural, functional, and spatial information, amino acid conservation, physicochemical variation, residue mobility, and thermodynamic stability) performed at Invitae indicates that this missense variant is expected to disrupt CLCN1 protein function. In summary, the available evidence is currently insufficient to determine the role of this variant in disease. Therefore, it has been classified as a Variant of Uncertain Significance.

NM_000083.3(CLCN1):c.1961G>T (p.Arg654Leu)

Genes: CLCN1 (chloride voltage-gated channel 1; plus strand), LOC123956257 (Sharpr-MPRA regulatory region 4117; plus strand). Cytogenetic location: 7q34.
Variant type: single nucleotide variant.
Coding change: c.1961G>T on transcript NM_000083.3 (MANE Select); coding-DNA position 1961, G replaced by T.
Protein change: p.Arg654Leu; replaces arginine 654 with leucine.
Molecular consequence: missense variant. On other transcripts: non-coding transcript variant (1).
Genome position (GRCh38, 1-based): chr7:143,345,551, G>T. VCF-style: chr7-143345551-G-T. GRCh37 (hg19) VCF-style: chr7-143042644-G-T.
Other names: short protein forms R654L.
Identifiers: ClinVar variation 1438713 (VCV001438713.5), dbSNP rs1322769496, ClinGen allele CA369649491.